The following is an entry in ClinVar:

NM_002907.4(RECQL):c.164C>T (p.Ala55Val)

Gene: RECQL (RecQ like helicase; minus strand). Cytogenetic location: 12p12.1.
Variant type: single nucleotide variant.
Coding change: c.164C>T on transcript NM_002907.4 (MANE Select); coding-DNA position 164, C replaced by T.
Protein change: p.Ala55Val; replaces alanine 55 with valine.
Molecular consequence: missense variant.
Genome position (GRCh38, 1-based): chr12:21,491,569, G>A on the plus strand (C>T on the coding strand, the complement: RECQL is on the minus strand). VCF-style: chr12-21491569-G-A. GRCh37 (hg19) VCF-style: chr12-21644503-G-A.
Other names: c.164C>T, p.Ala55Val (NM_032941.3); short protein forms A55V.
Identifiers: ClinVar variation 3011679 (VCV003011679.3), dbSNP rs2136755103, ClinGen allele CA384134312.

ClinVar aggregate classification (germline): Uncertain significance (1 of 4 stars; one submission).

Submission:

Labcorp Genetics (formerly Invitae), Labcorp
Classification: Uncertain significance. Last evaluated: 2023-02-16. Review status: criteria provided, single submitter. Criteria: Invitae Variant Classification Sherloc (09022015). Collection method: clinical testing. Allele origin: germline.
Comment: This sequence change replaces alanine, which is neutral and non-polar, with valine, which is neutral and non-polar, at codon 55 of the RECQL protein (p.Ala55Val). This variant is not present in population databases (gnomAD no frequency). This variant has not been reported in the literature in individuals affected with RECQL-related conditions. Algorithms developed to predict the effect of missense changes on protein structure and function output the following: SIFT: "Not Available"; PolyPhen-2: "Benign"; Align-GVGD: "Not Available". The valine amino acid residue is found in multiple mammalian species, which suggests that this missense change does not adversely affect protein function. In summary, the available evidence is currently insufficient to determine the role of this variant in disease. Therefore, it has been classified as a Variant of Uncertain Significance.